The following is an entry in ClinVar:

NM_000059.4(BRCA2):c.4796A>G (p.Asn1599Ser)

Gene: BRCA2 (BRCA2 DNA repair associated; plus strand). Cytogenetic location: 13q13.1.
Variant type: single nucleotide variant.
Coding change: c.4796A>G on transcript NM_000059.4 (MANE Select); coding-DNA position 4796, A replaced by G.
Protein change: p.Asn1599Ser; replaces asparagine 1599 with serine.
Molecular consequence: missense variant.
Genome position (GRCh38, 1-based): chr13:32,339,151, A>G. VCF-style: chr13-32339151-A-G. GRCh37 (hg19) VCF-style: chr13-32913288-A-G.
Other names: 5024A>G; short protein forms N1599S.
Identifiers: ClinVar variation 230992 (VCV000230992.26), dbSNP rs149759218, ClinGen allele CA10579633.

ClinVar aggregate classification (germline): Conflicting classifications of pathogenicity. Review status: criteria provided, conflicting classifications (1 of 4 stars). 10 submissions from 10 submitters: Uncertain significance (7); Likely benign (1). 2 of the submissions do not count toward it. Last evaluated 2026-01-21.

Conditions:
Hereditary cancer-predisposing syndrome. Also called: Hereditary Cancer Syndrome; Neoplastic Syndromes, Hereditary; Tumor predisposition; Hereditary neoplastic syndrome. Identifiers: Orphanet 140162, MedGen C0027672, MeSH D009386, MONDO:0015356.
Breast-ovarian cancer, familial, susceptibility to, 2 (BROVCA2). Also called: BRCA2 Hereditary Breast and Ovarian Cancer. Identifiers: Orphanet 145, MedGen C2675520, MONDO:0012933, OMIM 612555. Disease mechanism: loss of function.
Hereditary breast ovarian cancer syndrome. Also called: Hereditary breast and/or ovarian cancer syndrome; BRCA1- and BRCA2-Associated Hereditary Breast and Ovarian Cancer; Hereditary breast and ovarian cancer syndrome (HBOC); Hereditary breast and ovarian cancer; Hereditary breast and ovarian cancer syndrome; Breast and ovarian cancer. Identifiers: Orphanet 145, MedGen C0677776, MeSH D061325, MONDO:0003582. Disease mechanism: loss of function.
Malignant tumor of breast. Also called: Malignant breast neoplasm; Cancer breast. Identifiers: MedGen C0006142, MONDO:0007254. Disease mechanism: loss of function.

Allele frequency attached by ClinVar (database versions not stated): TOPMed 0.00001; ESP Exome Variant Server 0.00008; gnomAD exomes below 0.00001; gnomAD 0.00001.
gnomAD v4.1: 4 of 1,613,896 alleles (0.00025%); highest among the groups gnomAD compares: African/African-American, 0.004%; no homozygotes.

Submissions (10):

Labcorp Genetics (formerly Invitae), Labcorp
Classification: Uncertain significance for Hereditary breast ovarian cancer syndrome. Last evaluated: 2026-01-21. Review status: criteria provided, single submitter. Criteria: Invitae Variant Classification Sherloc (09022015). Collection method: clinical testing. Allele origin: germline.
Comment: This sequence change replaces asparagine, which is neutral and polar, with serine, which is neutral and polar, at codon 1599 of the BRCA2 protein (p.Asn1599Ser). This variant is present in population databases (rs149759218, gnomAD 0.01%). This variant has not been reported in the literature in individuals affected with BRCA2-related conditions. ClinVar contains an entry for this variant (Variation ID: 230992). Invitae Evidence Modeling of protein sequence and biophysical properties (such as structural, functional, and spatial information, amino acid conservation, physicochemical variation, residue mobility, and thermodynamic stability) indicates that this missense variant is not expected to disrupt BRCA2 protein function with a negative predictive value of 95%. In summary, the available evidence is currently insufficient to determine the role of this variant in disease. Therefore, it has been classified as a Variant of Uncertain Significance.

GeneDx
Classification: Uncertain significance. Last evaluated: 2024-02-02. Review status: criteria provided, single submitter. Criteria: GeneDx Variant Classification Process June 2021. Collection method: clinical testing. Allele origin: germline. Affected: yes.
Comment: Not observed at significant frequency in large population cohorts (gnomAD); In silico analysis supports that this missense variant does not alter protein structure/function; Has not been previously published as pathogenic or benign to our knowledge; Also known as 5024A>G; This variant is associated with the following publications: (PMID: 31911673)

All of Us Research Program, National Institutes of Health
Classification: Uncertain significance for Breast-ovarian cancer, familial, susceptibility to, 2. Last evaluated: 2023-12-01. Review status: criteria provided, single submitter. Criteria: ACMG Guidelines, 2015. Collection method: clinical testing. Allele origin: germline. Inheritance: Autosomal dominant inheritance. Observed: 1 variant allele, 1 heterozygote.
Comment: This study involves interpretation of variants in research participants for the purpose of population health screening. Participant phenotype was not available at the time of variant classification. Additional details can be found in publication PMID: 35346344, PMCID: PMC8962531

Ambry Genetics
Classification: Uncertain significance for Hereditary cancer-predisposing syndrome. Last evaluated: 2023-09-29. Review status: criteria provided, single submitter. Criteria: Ambry Variant Classification Scheme 2023. Collection method: clinical testing. Allele origin: germline.
Comment: The p.N1599S variant (also known as c.4796A>G), located in coding exon 10 of the BRCA2 gene, results from an A to G substitution at nucleotide position 4796. The asparagine at codon 1599 is replaced by serine, an amino acid with highly similar properties. This amino acid position is not well conserved in available vertebrate species. In addition, this alteration is predicted to be tolerated by in silico analysis. Since supporting evidence is limited at this time, the clinical significance of this alteration remains unclear.

Quest Diagnostics Nichols Institute San Juan Capistrano
Classification: Uncertain significance. Last evaluated: 2023-06-30. Review status: criteria provided, single submitter. Criteria: Quest Diagnostics criteria. Collection method: clinical testing. Allele origin: unknown.
Comment: In the published literature, this variant has been reported to be located in a region of the BRCA2 gene that is tolerant to missense changed (PMID: 31911673 (2020)). The frequency of this variant in the general population, 0.000032 (1/31402 chromosomes (Genome Aggregation Database)), is uninformative in the assessment of its pathogenicity. Analysis of this variant using bioinformatics tools for the prediction of the effect of amino acid changes on protein structure and function yielded predictions that this variant is benign. Based on the available information, we are unable to determine the clinical significance of this variant.

University of Washington Department of Laboratory Medicine, University of Washington
Classification: Likely benign for Hereditary cancer-predisposing syndrome. Last evaluated: 2023-03-23. Review status: criteria provided, single submitter. Criteria: Dines et al. (Genet Med. 2020). Collection method: curation. Allele origin: germline.
Comment: Missense variant in a coldspot region where missense variants are very unlikely to be pathogenic (PMID:31911673).

BRCA2 exon 11 coldspot. Reclassification based on statistical prior probability.

Color Diagnostics, LLC DBA Color Health
Classification: Uncertain significance for Hereditary cancer-predisposing syndrome. Last evaluated: 2019-06-05. Review status: criteria provided, single submitter. Criteria: ACMG Guidelines, 2015. Collection method: clinical testing. Allele origin: germline.

Women's Health and Genetics/Laboratory Corporation of America, LabCorp
Classification: Uncertain significance. Last evaluated: 2017-06-07. Review status: criteria provided, single submitter. Criteria: LabCorp Variant Classification Summary - May 2015. Collection method: clinical testing. Allele origin: germline.
Comment: Variant summary: The BRCA2 c.4796A>G (p.Asn1599Ser) variant involves the alteration of a non-conserved nucleotide, resulting in a missense substitution that does not lie within a known functional domain (InterPro). 4/4 in silico tools predict a benign outcome for this variant (SNPsandGO not captured due to low reliability index). This variant is absent from the large control database ExAC (0/120004 control chromosomes) but is present in gnomAD database (which includes ExAC and additional data from individuals undergoing whole genome sequencing) at an allele frequency of 0.01% (1/8734 chromosomes) in African subpopulation. To our knowledge, the variant of interest has not been reported in affected individuals via publications, nor has it been evaluated for functional impact by in vivo/vitro studies. However, it has been reported in UMD to co-occur with a premature truncating variant in BRCA1 gene c.2658insG (p.Ala887CysfsX16), suggesting non-pathogenic role of this variant. Multiple clinical diagnostic laboratories/reputable databases have classified this variant as one of uncertain significance without evidence to independently evaluate. Based on the currently available information, this variant is classified as Variant of Unknown Significance.

Sharing Clinical Reports Project (SCRP)
Classification: Uncertain significance for Breast-ovarian cancer, familial 2. Last evaluated: 2009-05-13. Review status: no assertion criteria provided. Collection method: clinical testing. Allele origin: germline. Not counted in ClinVar's aggregate classification.

Department of Pathology and Laboratory Medicine, Sinai Health System
Classification: Uncertain significance for Malignant tumor of breast. Review status: no assertion criteria provided. Collection method: clinical testing. Allele origin: unknown. Affected: yes. Study: The Canadian Open Genetics Repository (COGR). Not counted in ClinVar's aggregate classification.
Comment: The p.Asn1599Ser variant has not been previously reported in the literature. It is listed in dbSNP database (ID#: rs149759218) but no frequency information was provided, and so the prevalence of this variant in the general population is not known. The variant was identified in the UMD (x1) and Exome Server databases. In the UMD database, the p.Asn1599Ser variant was found to co-occur with a pathogenic mutation in BRCA2, c.2658insG (p.Ala887CysfsX16), increasing the likelihood that the variant is a benign alteration. This residue is not conserved in mammals and computational analyses (PolyPhen, SIFT, AlignGVGD) do not suggest a high likelihood of impact to the protein. However, this information is not predictive enough to rule out pathogenicity. In summary, based on the above information, the clinical significance of this variant cannot be determined at this time. This variant is classified as a variant of unknown significance.

Literature cited by the submitters: PubMed 31911673 (cited by Quest Diagnostics Nichols Institute San Juan Capistrano).